The following is an entry in ClinVar:

NM_000123.4(ERCC5):c.2616A>G (p.Val872=)

Genes: BIVM-ERCC5 (BIVM-ERCC5 readthrough; plus strand), ERCC5 (ERCC excision repair 5, endonuclease; plus strand). Cytogenetic location: 13q33.1.
Variant type: single nucleotide variant.
Coding change: c.2616A>G on transcript NM_000123.4 (MANE Select); coding-DNA position 2616, A replaced by G.
Protein change: p.Val872=; no amino-acid change (valine 872 retained).
Molecular consequence: synonymous variant.
Genome position (GRCh38, 1-based): chr13:102,868,195, A>G. VCF-style: chr13-102868195-A-G. GRCh37 (hg19) VCF-style: chr13-103520545-A-G.
Other names: c.3978A>G, p.Val1326= (NM_001204425.2).
Identifiers: ClinVar variation 4085336 (VCV004085336.8).

ClinVar aggregate classification (germline): Likely benign (1 of 4 stars; one submission).

Submission:

CeGaT Center for Human Genetics Tuebingen
Classification: Likely benign. Last evaluated: 2025-07-01. Review status: criteria provided, single submitter. Criteria: CeGaT Center For Human Genetics Tuebingen Variant Classification Criteria Version 2. Collection method: clinical testing. Allele origin: germline. Affected: yes. Observed: 1 variant allele.
Comment: ERCC5: PM2:Supporting, BP4, BP7